The following is an entry in ClinVar:

NM_005654.6(NR2F1):c.835_844dup (p.Leu282fs)

Gene: NR2F1 (nuclear receptor subfamily 2 group F member 1; plus strand). Cytogenetic location: 5q15.
Variant type: Duplication.
Coding change: c.835_844dup on transcript NM_005654.6 (MANE Select); coding-DNA positions 835 to 844, 10 bases duplicated (GCCGCCGGCC; older notation c.835_844dupGCCGCCGGCC).
Protein change: p.Leu282fs; shifts the reading frame from leucine 282.
Molecular consequence: frameshift variant.
Genome position (GRCh38, 1-based): chr5:93,588,288-93,588,297, GCCGCCGGCC duplicated; duplicating any 10 consecutive bases within chr5:93,588,284-93,588,297 gives the same sequence; the c. name uses the placement nearest the transcript's 3' end. VCF-style (leftmost placement, unchanged base first): chr5-93588283-T-TGGCCGCCGCC. GRCh37 (hg19) VCF-style: chr5-92923989-T-TGGCCGCCGCC.
Other names: c.385_394dup, p.Leu132fs (NM_001410754.1); short protein forms L132fs, L282fs.
Identifiers: ClinVar variation 4683092 (VCV004683092.1).

ClinVar aggregate classification (germline): Pathogenic (1 of 4 stars; one submission).

Conditions:
Bosch-Boonstra-Schaaf optic atrophy syndrome (BBSOAS). Also called: NR2F1-Related Neurodevelopmental Disorder. Identifiers: Orphanet 401777, MedGen C3810363, MONDO:0014320, OMIM 615722.

Submission:

Institute of Human Genetics, University of Leipzig Medical Center
Classification: Pathogenic for Bosch-Boonstra-Schaaf optic atrophy syndrome. Last evaluated: 2025-12-29. Review status: criteria provided, single submitter. Criteria: ACMG Guidelines, 2015. Collection method: clinical testing. Allele origin: unknown. Inheritance: Autosomal dominant inheritance. Affected: yes.
Comment: Criteria applied: PVS1,PM2